The following is an entry in ClinVar:

ClinVar aggregate classification (germline): Uncertain significance. Review status: criteria provided, multiple submitters, no conflicts (2 of 4 stars). 3 submissions from 3 submitters: Uncertain significance (3). Last evaluated 2025-12-05.

Conditions:
Inborn genetic diseases. Identifiers: MedGen C0950123, MeSH D030342.

Allele frequency attached by ClinVar (database versions not stated): gnomAD 0.00003; ESP Exome Variant Server 0.00008.
gnomAD v4.1: 71 of 1,613,856 alleles (0.0044%); highest among the groups gnomAD compares: Non-Finnish European, 0.0058%; no homozygotes.

Submissions (3):

Labcorp Genetics (formerly Invitae), Labcorp
Classification: Uncertain significance. Last evaluated: 2025-12-05. Review status: criteria provided, single submitter. Criteria: Invitae Variant Classification Sherloc (09022015). Collection method: clinical testing. Allele origin: germline.
Comment: This sequence change replaces proline, which is neutral and non-polar, with serine, which is neutral and polar, at codon 450 of the DEAF1 protein (p.Pro450Ser). This variant is present in population databases (rs374222357, gnomAD 0.005%). This variant has not been reported in the literature in individuals affected with DEAF1-related conditions. ClinVar contains an entry for this variant (Variation ID: 1356645). Invitae Evidence Modeling of protein sequence and biophysical properties (such as structural, functional, and spatial information, amino acid conservation, physicochemical variation, residue mobility, and thermodynamic stability) indicates that this missense variant is not expected to disrupt DEAF1 protein function with a negative predictive value of 95%. In summary, the available evidence is currently insufficient to determine the role of this variant in disease. Therefore, it has been classified as a Variant of Uncertain Significance.

Ambry Genetics
Classification: Uncertain significance for Inborn genetic diseases. Last evaluated: 2025-08-21. Review status: criteria provided, single submitter. Criteria: Ambry Variant Classification Scheme 2023. Collection method: clinical testing. Allele origin: germline.

Women's Health and Genetics/Laboratory Corporation of America, LabCorp
Classification: Uncertain significance. Last evaluated: 2023-12-22. Review status: criteria provided, single submitter. Criteria: LabCorp Variant Classification Summary - May 2015. Collection method: clinical testing. Allele origin: germline.
Comment: Variant summary: DEAF1 c.1348C>T (p.Pro450Ser) results in a non-conservative amino acid change in the encoded protein sequence. Four of five in-silico tools predict a benign effect of the variant on protein function. The variant allele was found at a frequency of 4.4e-05 in 1613856 control chromosomes. This frequency does not allow for any conclusion about variant significance. To our knowledge, no occurrence of c.1348C>T in individuals affected with Mental Retardation, Autosomal Dominant 24 and no experimental evidence demonstrating its impact on protein function have been reported. One submitter has cited clinical-significance assessments for this variant to ClinVar after 2014 and has classified the variant as uncertain significance. Based on the evidence outlined above, the variant was classified as uncertain significance.

NM_021008.4(DEAF1):c.1348C>T (p.Pro450Ser)

Genes: DEAF1 (DEAF1 transcription factor; minus strand), LOC126861109 (BRD4-independent group 4 enhancer GRCh37_chr11:673917-675116; plus strand). Cytogenetic location: 11p15.5.
Variant type: single nucleotide variant.
Coding change: c.1348C>T on transcript NM_021008.4 (MANE Select); coding-DNA position 1348, C replaced by T.
Protein change: p.Pro450Ser; replaces proline 450 with serine.
Molecular consequence: missense variant.
Genome position (GRCh38, 1-based): chr11:674,691, G>A on the plus strand (C>T on the coding strand, the complement: DEAF1 is on the minus strand). VCF-style: chr11-674691-G-A. GRCh37 (hg19) VCF-style: chr11-674691-G-A.
Other names: c.1081C>T, p.Pro361Ser (NM_001293634.2); c.622C>T, p.Pro208Ser (NM_001367390.1); c.1348C>T (NM_021008.2); short protein forms P208S, P450S, P361S.
Identifiers: ClinVar variation 1356645 (VCV001356645.8), dbSNP rs374222357, ClinGen allele CA5786234.